The following is an entry in ClinVar:

NM_133433.4(NIPBL):c.8086G>A (p.Glu2696Lys)

Gene: NIPBL (NIPBL cohesin loading factor; plus strand). Cytogenetic location: 5p13.2.
Variant type: single nucleotide variant.
Coding change: c.8086G>A on transcript NM_133433.4 (MANE Select); coding-DNA position 8086, G replaced by A.
Protein change: p.Glu2696Lys; replaces glutamic acid 2696 with lysine.
Molecular consequence: missense variant. On other transcripts: 3 prime UTR variant (1).
Genome position (GRCh38, 1-based): chr5:37,064,563, G>A. VCF-style: chr5-37064563-G-A. GRCh37 (hg19) VCF-style: chr5-37064665-G-A.
Other names: c.*540G>A (NM_015384.5); short protein forms E2696K.
Identifiers: ClinVar variation 1719273 (VCV001719273.5), dbSNP rs2478768777, ClinGen allele CA359521937.
Genomic context (GRCh38, chr5:37,064,563, plus strand): 5'-TTTTCCCCCCTCCCAATGTTTTAGTCATTGAGAAGGTCAAAACGAAATTCAGACTCTACG[G>A]AGTTGGCAGCACAGATGAATGAAAGTGTTGACGTCATGGATGTCATCGCTATTTGCTGTC-3'
Protein context (NP_597677.2, residues 2686-2706): RRSKRNSDST[Glu2696Lys]LAAQMNESVD

ClinVar aggregate classification (germline): Uncertain significance (1 of 4 stars; one submission).

Conditions:
Cornelia de Lange syndrome 1 (CDLS1). Also called: TYPUS DEGENERATIVUS AMSTELODAMENSIS; Brachmann de Lange syndrome; NIPBL-Related Cornelia de Lange Syndrome. Identifiers: Orphanet 199, MedGen C4551851, MONDO:0007387, OMIM 122470.

Submission:

Labcorp Genetics (formerly Invitae), Labcorp
Classification: Uncertain significance for Cornelia de Lange syndrome 1. Last evaluated: 2022-09-12. Review status: criteria provided, single submitter. Criteria: Invitae Variant Classification Sherloc (09022015). Collection method: clinical testing. Allele origin: germline.
Comment: This sequence change replaces glutamic acid, which is acidic and polar, with lysine, which is basic and polar, at codon 2696 of the NIPBL protein (p.Glu2696Lys). In summary, the available evidence is currently insufficient to determine the role of this variant in disease. Therefore, it has been classified as a Variant of Uncertain Significance. Advanced modeling of protein sequence and biophysical properties (such as structural, functional, and spatial information, amino acid conservation, physicochemical variation, residue mobility, and thermodynamic stability) has been performed at Invitae for this missense variant, however the output from this modeling did not meet the statistical confidence thresholds required to predict the impact of this variant on NIPBL protein function. This variant has not been reported in the literature in individuals affected with NIPBL-related conditions. This variant is not present in population databases (gnomAD no frequency).